The following is an entry in ClinVar:

NM_000186.4(CFH):c.2841C>G (p.Asp947Glu)

Gene: CFH (complement factor H; plus strand). Cytogenetic location: 1q31.3.
Variant type: single nucleotide variant.
Coding change: c.2841C>G on transcript NM_000186.4 (MANE Select); coding-DNA position 2841, C replaced by G.
Protein change: p.Asp947Glu; replaces aspartic acid 947 with glutamic acid.
Molecular consequence: missense variant.
Genome position (GRCh38, 1-based): chr1:196,740,677, C>G. VCF-style: chr1-196740677-C-G. GRCh37 (hg19) VCF-style: chr1-196709807-C-G.
Other names: short protein forms D947E.
Identifiers: ClinVar variation 4768817 (VCV004768817.1).

ClinVar aggregate classification (germline): Uncertain significance (1 of 4 stars; one submission).

Submission:

Labcorp Genetics (formerly Invitae), Labcorp
Classification: Uncertain significance. Last evaluated: 2025-08-11. Review status: criteria provided, single submitter. Criteria: Invitae Variant Classification Sherloc (09022015). Collection method: clinical testing. Allele origin: germline.
Comment: This sequence change replaces aspartic acid, which is acidic and polar, with glutamic acid, which is acidic and polar, at codon 947 of the CFH protein (p.Asp947Glu). This variant is not present in population databases (gnomAD no frequency). This variant has not been reported in the literature in individuals affected with CFH-related conditions. An algorithm developed to predict the effect of missense changes on protein structure and function outputs the following: PolyPhen-2: "Benign". The glutamic acid amino acid residue is found in multiple mammalian species, which suggests that this missense change does not adversely affect protein function. In summary, the available evidence is currently insufficient to determine the role of this variant in disease. Therefore, it has been classified as a Variant of Uncertain Significance.